The following is an entry in ClinVar:

ClinVar aggregate classification (germline): Uncertain significance (1 of 4 stars; one submission).

Allele frequency attached by ClinVar (database versions not stated): gnomAD exomes below 0.00001; gnomAD 0.00001; TOPMed 0.00001.
gnomAD v4.1: 7 of 1,613,964 alleles (0.00043%); highest among the groups gnomAD compares: South Asian, 0.0033%; no homozygotes.

Submission:

Labcorp Genetics (formerly Invitae), Labcorp
Classification: Uncertain significance. Last evaluated: 2022-04-15. Review status: criteria provided, single submitter. Criteria: Invitae Variant Classification Sherloc (09022015). Collection method: clinical testing. Allele origin: germline.
Comment: This sequence change replaces isoleucine, which is neutral and non-polar, with valine, which is neutral and non-polar, at codon 1587 of the CAD protein (p.Ile1587Val). This variant is present in population databases (no rsID available, gnomAD 0.003%). This variant has not been reported in the literature in individuals affected with CAD-related conditions. Algorithms developed to predict the effect of missense changes on protein structure and function (SIFT, PolyPhen-2, Align-GVGD) all suggest that this variant is likely to be tolerated. In summary, the available evidence is currently insufficient to determine the role of this variant in disease. Therefore, it has been classified as a Variant of Uncertain Significance.

NM_004341.5(CAD):c.4759A>G (p.Ile1587Val)

Gene: CAD (carbamoyl-phosphate synthetase 2, aspartate transcarbamylase, and dihydroorotase; plus strand). Cytogenetic location: 2p23.3.
Variant type: single nucleotide variant.
Coding change: c.4759A>G on transcript NM_004341.5 (MANE Select); coding-DNA position 4759, A replaced by G.
Protein change: p.Ile1587Val; replaces isoleucine 1587 with valine.
Molecular consequence: missense variant.
Genome position (GRCh38, 1-based): chr2:27,238,086, A>G. VCF-style: chr2-27238086-A-G. GRCh37 (hg19) VCF-style: chr2-27460954-A-G.
Other names: c.4570A>G, p.Ile1524Val (NM_001306079.2); short protein forms I1524V, I1587V.
Identifiers: ClinVar variation 1927502 (VCV001927502.2), dbSNP rs1325355255, ClinGen allele CA346221386.